The following is an entry in ClinVar:

ClinVar aggregate classification (germline): Uncertain significance (1 of 4 stars; one submission).

Submission:

GeneDx
Classification: Uncertain significance. Last evaluated: 2024-11-23. Review status: criteria provided, single submitter. Criteria: GeneDx Variant Classification Process June 2021. Collection method: clinical testing. Allele origin: germline. Affected: yes.
Comment: Not observed at significant frequency in large population cohorts (gnomAD); In silico analysis indicates that this missense variant does not alter protein structure/function; Does not affect a cysteine or calcium-binding residue within an EGF-like domain or a TGF-binding protein domain of the FBN1 gene; cysteine substitutions in the EGF-like domains represent the majority of pathogenic missense changes associated with FBN1-related disorders (PMID: 12938084); Has not been previously published as pathogenic or benign to our knowledge; This variant is associated with the following publications: (PMID: 12938084)

NM_000138.5(FBN1):c.6397G>A (p.Glu2133Lys)

Gene: FBN1 (fibrillin 1; minus strand). Cytogenetic location: 15q21.1.
Variant type: single nucleotide variant.
Coding change: c.6397G>A on transcript NM_000138.5 (MANE Select); coding-DNA position 6397, G replaced by A.
Protein change: p.Glu2133Lys; replaces glutamic acid 2133 with lysine.
Molecular consequence: missense variant.
Genome position (GRCh38, 1-based): chr15:48,437,060, C>T on the plus strand (G>A on the coding strand, the complement: FBN1 is on the minus strand). VCF-style: chr15-48437060-C-T. GRCh37 (hg19) VCF-style: chr15-48729257-C-T.
Other names: c.6397G>A, p.Glu2133Lys (NM_001406716.1); short protein forms E2133K.
Identifiers: ClinVar variation 3900131 (VCV003900131.1).